The following is an entry in ClinVar:

ClinVar aggregate classification (germline): Uncertain significance (1 of 4 stars; one submission).

Conditions:
Combined oxidative phosphorylation defect type 27. Also called: Combined oxidative phosphorylation deficiency 27. Identifiers: Orphanet 477774, MedGen C5567608, MONDO:0014728, OMIM 616672.

Submission:

Labcorp Genetics (formerly Invitae), Labcorp
Classification: Uncertain significance for Combined oxidative phosphorylation defect type 27. Last evaluated: 2022-07-11. Review status: criteria provided, single submitter. Criteria: Invitae Variant Classification Sherloc (09022015). Collection method: clinical testing. Allele origin: germline.
Comment: In summary, the available evidence is currently insufficient to determine the role of this variant in disease. Therefore, it has been classified as a Variant of Uncertain Significance. Algorithms developed to predict the effect of missense changes on protein structure and function (SIFT, PolyPhen-2, Align-GVGD) all suggest that this variant is likely to be tolerated. ClinVar contains an entry for this variant (Variation ID: 937417). This variant has not been reported in the literature in individuals affected with CARS2-related conditions. This variant is not present in population databases (gnomAD no frequency). This sequence change replaces alanine, which is neutral and non-polar, with valine, which is neutral and non-polar, at codon 243 of the CARS2 protein (p.Ala243Val).

NM_024537.4(CARS2):c.728C>T (p.Ala243Val)

Gene: CARS2 (cysteinyl-tRNA synthetase 2, mitochondrial; minus strand). Cytogenetic location: 13q34.
Variant type: single nucleotide variant.
Coding change: c.728C>T on transcript NM_024537.4 (MANE Select); coding-DNA position 728, C replaced by T.
Protein change: p.Ala243Val; replaces alanine 243 with valine.
Molecular consequence: missense variant. On other transcripts: 5 prime UTR variant (1), non-coding transcript variant (2).
Genome position (GRCh38, 1-based): chr13:110,677,031, G>A on the plus strand (C>T on the coding strand, the complement: CARS2 is on the minus strand). VCF-style: chr13-110677031-G-A. GRCh37 (hg19) VCF-style: chr13-111329378-G-A.
Other names: c.-59C>T (NM_001352252.2); c.728C>T, p.Ala243Val (NM_001352253.3); short protein forms A243V.
Identifiers: ClinVar variation 937417 (VCV000937417.9), dbSNP rs2062971648, ClinGen allele CA388735266.
Genomic context (GRCh38, chr13:110,677,031, plus strand): 5'-TACCTAGCGATGGCAGAGCACTCGATGTGCCAGCCCGGCCTCCCGGGTCCCCAGGGAGAG[G>A]CCCAGAACACCTCCTGGGGTTTGGCCGCCTTCCACAGGGCGAAGTCACTGGCATGACGCT-3'
Protein context (NP_078813.1, residues 233-253): KAAKPQEVFW[Ala243Val]SPWGPGRPGW